The following is an entry in ClinVar:

NM_004369.4(COL6A3):c.8389T>C (p.Leu2797=)

Gene: COL6A3 (collagen type VI alpha 3 chain; minus strand). Cytogenetic location: 2q37.3.
Variant type: single nucleotide variant.
Coding change: c.8389T>C on transcript NM_004369.4 (MANE Select); coding-DNA position 8389, T replaced by C.
Protein change: p.Leu2797=; no amino-acid change (leucine 2797 retained).
Molecular consequence: synonymous variant.
Genome position (GRCh38, 1-based): chr2:237,340,527, A>G on the plus strand (T>C on the coding strand, the complement: COL6A3 is on the minus strand). VCF-style: chr2-237340527-A-G. GRCh37 (hg19) VCF-style: chr2-238249170-A-G.
Other names: c.6568T>C, p.Leu2190= (NM_057166.5); c.7771T>C, p.Leu2591= (NM_057167.4).
Identifiers: ClinVar variation 511873 (VCV000511873.10), dbSNP rs754977455, ClinGen allele CA2187563.

ClinVar aggregate classification (germline): Likely benign. Review status: criteria provided, multiple submitters, no conflicts (2 of 4 stars). 3 submissions from 3 submitters: Likely benign (3). Last evaluated 2025-04-01.

Conditions:
COL6A3-related disorder. Also called: COL6A3-related disorders; COL6A3-related condition.
Bethlem myopathy 1A. Also called: Bethlem Muscular Dystrophy; MYOPATHY, BENIGN CONGENITAL, WITH CONTRACTURES; Bethlem myopathy 1. Identifiers: Orphanet 610, MedGen CN029274, MONDO:0024530, OMIM 158810.

Allele frequency attached by ClinVar (database versions not stated): gnomAD exomes below 0.00001 and 0.00001; ExAC 0.00001; gnomAD 0.00004; TOPMed 0.00011.
gnomAD v4.1: 11 of 1,614,046 alleles (0.00068%); highest among the groups gnomAD compares: Admixed American, 0.0083%; no homozygotes.

Submissions (3):

Labcorp Genetics (formerly Invitae), Labcorp
Classification: Likely benign for Bethlem myopathy 1A. Last evaluated: 2025-04-01. Review status: criteria provided, single submitter. Criteria: Invitae Variant Classification Sherloc (09022015). Collection method: clinical testing. Allele origin: germline.

PreventionGenetics, part of Exact Sciences
Classification: Likely benign for COL6A3-related condition. Last evaluated: 2025-02-27. Review status: criteria provided, single submitter. Criteria: ACMG Guidelines, 2015. Collection method: clinical testing. Allele origin: germline.
Comment: This variant is classified as likely benign based on ACMG/AMP sequence variant interpretation guidelines (Richards et al. 2015 PMID: 25741868, with internal and published modifications).

GeneDx
Classification: Likely benign. Last evaluated: 2017-09-05. Review status: criteria provided, single submitter. Criteria: GeneDx Variant Classification (06012015). Collection method: clinical testing. Allele origin: germline. Affected: yes.
Comment: This variant is considered likely benign or benign based on one or more of the following criteria: it is a conservative change, it occurs at a poorly conserved position in the protein, it is predicted to be benign by multiple in silico algorithms, and/or has population frequency not consistent with disease.